The following is an entry in ClinVar:

NM_022356.4(P3H1):c.1873G>A (p.Gly625Arg)

Gene: P3H1 (prolyl 3-hydroxylase 1; minus strand). Cytogenetic location: 1p34.2.
Variant type: single nucleotide variant.
Coding change: c.1873G>A on transcript NM_022356.4 (MANE Select); coding-DNA position 1873, G replaced by A.
Protein change: p.Gly625Arg; replaces glycine 625 with arginine.
Molecular consequence: missense variant.
Genome position (GRCh38, 1-based): chr1:42,747,764, C>T on the plus strand (G>A on the coding strand, the complement: P3H1 is on the minus strand). VCF-style: chr1-42747764-C-T. GRCh37 (hg19) VCF-style: chr1-43213435-C-T.
Other names: p.G625R; c.1873G>A, p.Gly625Arg (NM_001146289.2, NM_001243246.2); short protein forms G625R.
Identifiers: ClinVar variation 2429334 (VCV002429334.9), dbSNP rs1651811244, ClinGen allele CA339953433.
Genomic context (GRCh38, chr1:42,747,764, plus strand): 5'-AGGACAAGGGAGCACTCACCGTCACGGTCTTGGCATCCAGTTCAGTGAAATAAAAGTTTC[C>T]GCCATCGAAGTCCCCATTTAGGTAAAGGATGGCGCTGGGAAAGGCAGAGACATCTCATCA-3'
Protein context (NP_071751.3, residues 615-635): ILYLNGDFDG[Gly625Arg]NFYFTELDAK

ClinVar aggregate classification (germline): Pathogenic/Likely pathogenic. Review status: criteria provided, multiple submitters, no conflicts (2 of 4 stars). 3 submissions from 3 submitters: Pathogenic (1); Likely pathogenic (1). 1 of the submissions does not count toward it. Last evaluated 2025-01-02.

Conditions:
Osteogenesis imperfecta type 8 (OI8). Identifiers: MedGen C1970458, MONDO:0012581, OMIM 610915.

Allele frequency attached by ClinVar (database versions not stated): gnomAD exomes below 0.00001; TOPMed 0.00001.
gnomAD v4.1: 4 of 1,614,168 alleles (0.00025%); highest among the groups gnomAD compares: South Asian, 0.0011%; no homozygotes.

Submissions (3):

GeneDx
Classification: Likely pathogenic. Last evaluated: 2025-01-02. Review status: criteria provided, single submitter. Criteria: GeneDx Variant Classification Process June 2021. Collection method: clinical testing. Allele origin: germline. Affected: yes.
Comment: Identified with a second P3H1 variant in two individuals with a diagnosis of osteogenesis imperfecta in the published literature, but it is not known whether the variants occurred on the same (in cis) or on different (in trans) chromosomes (PMID: 37270749); Not observed at significant frequency in large population cohorts (gnomAD); In silico analysis supports that this missense variant has a deleterious effect on protein structure/function; This variant is associated with the following publications: (PMID: 36963805, 37270749)

Labcorp Genetics (formerly Invitae), Labcorp
Classification: Pathogenic for Osteogenesis imperfecta type 8. Last evaluated: 2024-08-05. Review status: criteria provided, single submitter. Criteria: Invitae Variant Classification Sherloc (09022015). Collection method: clinical testing. Allele origin: germline.
Comment: This sequence change replaces glycine, which is neutral and non-polar, with arginine, which is basic and polar, at codon 625 of the P3H1 protein (p.Gly625Arg). This variant is not present in population databases (gnomAD no frequency). This missense change has been observed in individual(s) with osteogenesis imperfecta (PMID: 36963805, 37270749). In at least one individual the data is consistent with being in trans (on the opposite chromosome) from a pathogenic variant. ClinVar contains an entry for this variant (Variation ID: 2429334). Advanced modeling of protein sequence and biophysical properties (such as structural, functional, and spatial information, amino acid conservation, physicochemical variation, residue mobility, and thermodynamic stability) performed at Invitae indicates that this missense variant is expected to disrupt P3H1 protein function with a positive predictive value of 80%. For these reasons, this variant has been classified as Pathogenic.

Medical Genetics, Spectrum Health
Classification: Likely pathogenic for Osteogenesis imperfecta type 8. Review status: no assertion criteria provided. Collection method: clinical testing. Allele origin: maternal. Inheritance: Autosomal recessive inheritance. Affected: yes. Not counted in ClinVar's aggregate classification.
Comment: This variant is not present in gnomAD (PM2). In silico models predict this variant to be deleterious (PP3). Thus, from a clinical perspective, we deemed this variant likely pathogenic.

Literature cited by the submitters: PubMed 36963805 (cited by Labcorp Genetics (formerly Invitae), Labcorp); PubMed 37270749 (cited by Labcorp Genetics (formerly Invitae), Labcorp).